The following is an entry in ClinVar:

ClinVar aggregate classification (germline): Uncertain significance. Review status: criteria provided, multiple submitters, no conflicts (2 of 4 stars). 2 submissions from 2 submitters: Uncertain significance (2). Last evaluated 2025-09-26.

Conditions:
Inborn genetic diseases. Identifiers: MedGen C0950123, MeSH D030342.

Allele frequency attached by ClinVar (database versions not stated): gnomAD exomes 0.00001; gnomAD 0.00015; ExAC 0.00003; TOPMed 0.00015.

Submissions (2):

Ambry Genetics
Classification: Uncertain significance for Inborn genetic diseases. Last evaluated: 2025-09-26. Review status: criteria provided, single submitter. Criteria: Ambry Variant Classification Scheme 2023. Collection method: clinical testing. Allele origin: germline.

Labcorp Genetics (formerly Invitae), Labcorp
Classification: Uncertain significance. Last evaluated: 2022-03-12. Review status: criteria provided, single submitter. Criteria: Invitae Variant Classification Sherloc (09022015). Collection method: clinical testing. Allele origin: germline.
Comment: This sequence change replaces methionine, which is neutral and non-polar, with isoleucine, which is neutral and non-polar, at codon 125 of the HPS3 protein (p.Met125Ile). This variant is present in population databases (rs368535581, gnomAD 0.05%). This variant has not been reported in the literature in individuals affected with HPS3-related conditions. Algorithms developed to predict the effect of missense changes on protein structure and function are either unavailable or do not agree on the potential impact of this missense change (SIFT: "Tolerated"; PolyPhen-2: "Possibly Damaging"; Align-GVGD: "Class C0"). In summary, the available evidence is currently insufficient to determine the role of this variant in disease. Therefore, it has been classified as a Variant of Uncertain Significance.

NM_032383.5(HPS3):c.375G>A (p.Met125Ile)

Gene: HPS3 (HPS3 biogenesis of lysosomal organelles complex 2 subunit 1; plus strand). Cytogenetic location: 3q24.
Variant type: single nucleotide variant.
Coding change: c.375G>A on transcript NM_032383.5 (MANE Select); coding-DNA position 375, G replaced by A.
Protein change: p.Met125Ile; replaces methionine 125 with isoleucine.
Molecular consequence: missense variant. On other transcripts: intron variant (1).
Genome position (GRCh38, 1-based): chr3:149,140,161, G>A. VCF-style: chr3-149140161-G-A. GRCh37 (hg19) VCF-style: chr3-148857948-G-A.
Other names: c.218-856G>A (NM_001308258.2); short protein forms M125I.
Identifiers: ClinVar variation 2083492 (VCV002083492.3), dbSNP rs368535581, ClinGen allele CA2659784.